The following is an entry in ClinVar:

ClinVar aggregate classification (germline): Uncertain significance. Review status: criteria provided, multiple submitters, no conflicts (2 of 4 stars). 2 submissions from 2 submitters: Uncertain significance (2). Last evaluated 2025-09-12.

Conditions:
Neurofibromatosis, type 1 (NF1). Also called: Peripheral type neurofibromatosis; VON RECKLINGHAUSEN DISEASE; NEUROFIBROMATOSIS, TYPE I, SOMATIC; Neurofibromatosis, type I. Identifiers: Orphanet 636, MedGen C0027831, MONDO:0018975, OMIM 162200. Disease mechanism: loss of function.
Cardiovascular phenotype. Identifiers: MedGen CN230736.
Hereditary cancer-predisposing syndrome. Also called: Neoplastic Syndromes, Hereditary; Tumor predisposition; Hereditary neoplastic syndrome; Hereditary Cancer Syndrome. Identifiers: Orphanet 140162, MedGen C0027672, MeSH D009386, MONDO:0015356.

Submissions (2):

Labcorp Genetics (formerly Invitae), Labcorp
Classification: Uncertain significance for Neurofibromatosis, type 1. Last evaluated: 2025-09-12. Review status: criteria provided, single submitter. Criteria: Invitae Variant Classification Sherloc (09022015). Collection method: clinical testing. Allele origin: germline.
Comment: This sequence change replaces glutamine, which is neutral and polar, with histidine, which is basic and polar, at codon 2665 of the NF1 protein (p.Gln2665His). This variant is not present in population databases (gnomAD no frequency). This variant has not been reported in the literature in individuals affected with NF1-related conditions. ClinVar contains an entry for this variant (Variation ID: 1761525). Invitae Evidence Modeling of protein sequence and biophysical properties (such as structural, functional, and spatial information, amino acid conservation, physicochemical variation, residue mobility, and thermodynamic stability) has been performed for this missense variant. However, the output from this modeling did not meet the statistical confidence thresholds required to predict the impact of this variant on NF1 protein function. In summary, the available evidence is currently insufficient to determine the role of this variant in disease. Therefore, it has been classified as a Variant of Uncertain Significance.

Ambry Genetics
Classification: Uncertain significance for Cardiovascular phenotype; Hereditary cancer-predisposing syndrome. Last evaluated: 2022-02-28. Review status: criteria provided, single submitter. Criteria: Ambry Variant Classification Scheme 2023. Collection method: clinical testing. Allele origin: germline.
Comment: The p.Q2665H variant (also known as c.7995G>C), located in coding exon 54 of the NF1 gene, results from a G to C substitution at nucleotide position 7995. The glutamine at codon 2665 is replaced by histidine, an amino acid with highly similar properties. This amino acid position is conserved. In addition, the in silico prediction for this alteration is inconclusive. Since supporting evidence is limited at this time, the clinical significance of this alteration remains unclear.

NM_001042492.3(NF1):c.8058G>C (p.Gln2686His)

Gene: NF1 (neurofibromin 1; plus strand). Cytogenetic location: 17q11.2.
Variant type: single nucleotide variant.
Coding change: c.8058G>C on transcript NM_001042492.3 (MANE Select); coding-DNA position 8058, G replaced by C.
Protein change: p.Gln2686His; replaces glutamine 2686 with histidine.
Molecular consequence: missense variant.
Genome position (GRCh38, 1-based): chr17:31,358,567, G>C. VCF-style: chr17-31358567-G-C. GRCh37 (hg19) VCF-style: chr17-29685585-G-C.
Other names: c.7995G>C, p.Gln2665His (NM_000267.4); short protein forms Q2665H, Q2686H.
Identifiers: ClinVar variation 1761525 (VCV001761525.4), dbSNP rs2070327418, ClinGen allele CA399203804.
Genomic context (GRCh38, chr17:31,358,567, plus strand): 5'-CACCCTGTTATCATTGTGCCAAGATCCAAATTTGTTAAATCCAATCCATGGAATTGTGCA[G>C]AGTGTGGTGTACCATGAAGAATCCCCACCACAATACCAAACATCTTACCTGCAAAGTAAA-3'
Protein context (NP_001035957.1, residues 2676-2696): NLLNPIHGIV[Gln2686His]SVVYHEESPP